The following is an entry in ClinVar:

ClinVar aggregate classification (germline): Uncertain significance. Review status: criteria provided, multiple submitters, no conflicts (2 of 4 stars). 2 submissions from 2 submitters: Uncertain significance (2). Last evaluated 2025-04-20.

Conditions:
Inborn genetic diseases. Identifiers: MedGen C0950123, MeSH D030342.
Long chain 3-hydroxyacyl-CoA dehydrogenase deficiency. Also called: Deficiency of long-chain 3-hydroxyacyl-coenzyme A dehydrogenase; LCHAD Deficiency. Identifiers: Orphanet 5, MedGen C3711645, MONDO:0012173, OMIM 609016.
Mitochondrial trifunctional protein deficiency. Identifiers: Orphanet 746, MedGen C1969443, MONDO:0012172.

Allele frequency attached by ClinVar (database versions not stated): TOPMed 0.00001; gnomAD exomes 0.00002; ExAC 0.00003.

Submissions (2):

Ambry Genetics
Classification: Uncertain significance for Inborn genetic diseases. Last evaluated: 2025-04-20. Review status: criteria provided, single submitter. Criteria: Ambry Variant Classification Scheme 2023. Collection method: clinical testing. Allele origin: germline.

Labcorp Genetics (formerly Invitae), Labcorp
Classification: Uncertain significance for Mitochondrial trifunctional protein deficiency; Long chain 3-hydroxyacyl-CoA dehydrogenase deficiency. Last evaluated: 2022-10-13. Review status: criteria provided, single submitter. Criteria: Invitae Variant Classification Sherloc (09022015). Collection method: clinical testing. Allele origin: germline.
Comment: This sequence change replaces arginine, which is basic and polar, with tryptophan, which is neutral and slightly polar, at codon 5 of the HADHA protein (p.Arg5Trp). The frequency data for this variant in the population databases is considered unreliable, as metrics indicate poor data quality at this position in the gnomAD database. This variant has not been reported in the literature in individuals affected with HADHA-related conditions. Advanced modeling of protein sequence and biophysical properties (such as structural, functional, and spatial information, amino acid conservation, physicochemical variation, residue mobility, and thermodynamic stability) has been performed at Invitae for this missense variant, however the output from this modeling did not meet the statistical confidence thresholds required to predict the impact of this variant on HADHA protein function. In summary, the available evidence is currently insufficient to determine the role of this variant in disease. Therefore, it has been classified as a Variant of Uncertain Significance.

NM_000182.5(HADHA):c.13C>T (p.Arg5Trp)

Genes: HADHA (hydroxyacyl-CoA dehydrogenase trifunctional multienzyme complex subunit alpha; minus strand), HADHB (hydroxyacyl-CoA dehydrogenase trifunctional multienzyme complex subunit beta; plus strand). Cytogenetic location: 2p23.3.
Variant type: single nucleotide variant.
Coding change: c.13C>T on transcript NM_000182.5 (MANE Select); coding-DNA position 13, C replaced by T.
Protein change: p.Arg5Trp; replaces arginine 5 with tryptophan.
Molecular consequence: missense variant.
Genome position (GRCh38, 1-based): chr2:26,244,584, G>A on the plus strand (C>T on the coding strand, the complement: HADHA is on the minus strand). VCF-style: chr2-26244584-G-A. GRCh37 (hg19) VCF-style: chr2-26467452-G-A.
Other names: c.13C>T (NM_000182.4); short protein forms R5W.
Identifiers: ClinVar variation 2143398 (VCV002143398.3), dbSNP rs755327154, ClinGen allele CA1560017.